The following is an entry in ClinVar:

NM_000059.4(BRCA2):c.7805+1373A>G

Gene: BRCA2 (BRCA2 DNA repair associated; plus strand). Cytogenetic location: 13q13.1.
Variant type: single nucleotide variant.
Coding change: c.7805+1373A>G on transcript NM_000059.4 (MANE Select); 1373 bases into the intron after coding-DNA position 7805, A replaced by G.
Molecular consequence: intron variant.
Genome position (GRCh38, 1-based): chr13:32,359,302, A>G. VCF-style: chr13-32359302-A-G. GRCh37 (hg19) VCF-style: chr13-32933439-A-G.
Other names: IVS 16+1373A>G.
Identifiers: ClinVar variation 209764 (VCV000209764.1), dbSNP rs117134513, ClinGen allele CA276732.

ClinVar aggregate classification (germline): Benign (3 of 4 stars; one submission).

Conditions:
Breast-ovarian cancer, familial, susceptibility to, 2 (BROVCA2). Also called: BRCA2 Hereditary Breast and Ovarian Cancer. Identifiers: Orphanet 145, MedGen C2675520, MONDO:0012933, OMIM 612555. Disease mechanism: loss of function.

Allele frequency attached by ClinVar (database versions not stated): TOPMed 0.01780; gnomAD 0.01789 and 0.01721; 1000 Genomes Project 30x 0.02186; 1000 Genomes Project 0.02256.
gnomAD v4.1: 2,741 of 152,014 alleles (1.8%); highest among the groups gnomAD compares: East Asian, 3.5%; 40 homozygotes.

Submission:

Evidence-based Network for the Interpretation of Germline Mutant Alleles (ENIGMA)
Classification: Benign for Breast-ovarian cancer, familial 2. Last evaluated: 2015-01-12. Review status: reviewed by expert panel. Criteria: ENIGMA BRCA1/2 Classification Criteria (2015). Collection method: curation. Allele origin: germline.
Comment: Class 1 not pathogenic based on frequency >1% in an outbred sampleset. Frequency 0.02622 (Asian), 0.02902 (European), derived from 1000 genomes (2012-04-30).